The following is an entry in ClinVar:

ClinVar aggregate classification (germline): Uncertain significance (1 of 4 stars; one submission).

Conditions:
Inborn genetic diseases. Identifiers: MedGen C0950123, MeSH D030342.

gnomAD v4.1: 1 of 1,613,340 alleles (0.000062%); highest among the groups gnomAD compares: Non-Finnish European, 0.000085%; no homozygotes.

Submission:

Ambry Genetics
Classification: Uncertain significance for Inborn genetic diseases. Last evaluated: 2020-02-18. Review status: criteria provided, single submitter. Criteria: Ambry Variant Classification Scheme 2023. Collection method: clinical testing. Allele origin: germline.
Comment: The p.N668K variant (also known as c.2004C>A), located in coding exon 5 of the ARID1B gene, results from a C to A substitution at nucleotide position 2004. The asparagine at codon 668 is replaced by lysine, an amino acid with similar properties. This amino acid position is well conserved in available vertebrate species. In addition, this alteration is predicted to be tolerated by in silico analysis. Since supporting evidence is limited at this time, the clinical significance of this alteration remains unclear.

NM_001374828.1(ARID1B):c.2214C>A (p.Asn738Lys)

Gene: ARID1B (AT-rich interaction domain 1B; plus strand). Cytogenetic location: 6q25.3.
Variant type: single nucleotide variant.
Coding change: c.2214C>A on transcript NM_001374828.1 (MANE Select); coding-DNA position 2214, C replaced by A.
Protein change: p.Asn738Lys; replaces asparagine 738 with lysine.
Molecular consequence: missense variant.
Genome position (GRCh38, 1-based): chr6:156,935,543, C>A. VCF-style: chr6-156935543-C-A. GRCh37 (hg19) VCF-style: chr6-157256677-C-A.
Other names: c.1965C>A, p.Asn655Lys (NM_001346813.1); c.2253C>A, p.Asn751Lys (NM_001371656.1, NM_001374820.1); c.2214C>A, p.Asn738Lys (NM_017519.3); c.2004C>A, p.Asn668Lys (NM_020732.3); c.1791C>A, p.Asn597Lys (NM_175863.2); short protein forms N668K, N738K, N751K, N597K, N655K.
Identifiers: ClinVar variation 1784291 (VCV001784291.2), dbSNP rs1196152028, ClinGen allele CA366380498.